The following is an entry in ClinVar:

NM_000059.4(BRCA2):c.4652A>G (p.Gln1551Arg)

Gene: BRCA2 (BRCA2 DNA repair associated; plus strand). Cytogenetic location: 13q13.1.
Variant type: single nucleotide variant.
Coding change: c.4652A>G on transcript NM_000059.4 (MANE Select); coding-DNA position 4652, A replaced by G.
Protein change: p.Gln1551Arg; replaces glutamine 1551 with arginine.
Molecular consequence: missense variant.
Genome position (GRCh38, 1-based): chr13:32,339,007, A>G. VCF-style: chr13-32339007-A-G. GRCh37 (hg19) VCF-style: chr13-32913144-A-G.
Other names: short protein forms Q1551R.
Identifiers: ClinVar variation 481563 (VCV000481563.20), dbSNP rs1391223943, ClinGen allele CA387782194.

ClinVar aggregate classification (germline): Conflicting classifications of pathogenicity. Review status: criteria provided, conflicting classifications (1 of 4 stars). 6 submissions from 6 submitters: Uncertain significance (4); Likely benign (2). Last evaluated 2025-08-20.

Conditions:
Hereditary cancer-predisposing syndrome. Also called: Hereditary neoplastic syndrome; Neoplastic Syndromes, Hereditary; Tumor predisposition; Hereditary Cancer Syndrome. Identifiers: Orphanet 140162, MedGen C0027672, MeSH D009386, MONDO:0015356.
Hereditary breast ovarian cancer syndrome. Also called: Hereditary breast and ovarian cancer syndrome (HBOC); Breast and ovarian cancer; Hereditary breast and ovarian cancer syndrome; Hereditary breast and ovarian cancer; Hereditary breast and/or ovarian cancer syndrome; BRCA1- and BRCA2-Associated Hereditary Breast and Ovarian Cancer. Identifiers: Orphanet 145, MedGen C0677776, MeSH D061325, MONDO:0003582. Disease mechanism: loss of function.
Breast-ovarian cancer, familial, susceptibility to, 2 (BROVCA2). Also called: BRCA2 Hereditary Breast and Ovarian Cancer. Identifiers: Orphanet 145, MedGen C2675520, MONDO:0012933, OMIM 612555. Disease mechanism: loss of function.

Allele frequency attached by ClinVar (database versions not stated): TOPMed below 0.00001; gnomAD 0.00001.
gnomAD v4.1: 1 of 1,613,716 alleles (0.000062%); highest among the groups gnomAD compares: Non-Finnish European, 0.000085%; no homozygotes.

Submissions (6):

Ambry Genetics
Classification: Uncertain significance for Hereditary cancer-predisposing syndrome. Last evaluated: 2025-08-20. Review status: criteria provided, single submitter. Criteria: Ambry Variant Classification Scheme 2023. Collection method: clinical testing. Allele origin: germline.
Comment: The p.Q1551R variant (also known as c.4652A>G), located in coding exon 10 of the BRCA2 gene, results from an A to G substitution at nucleotide position 4652. The glutamine at codon 1551 is replaced by arginine, an amino acid with highly similar properties. This amino acid position is not well conserved in available vertebrate species. In addition, this alteration is predicted to be tolerated by in silico analysis. Since supporting evidence is limited at this time, the clinical significance of this alteration remains unclear.

Labcorp Genetics (formerly Invitae), Labcorp
Classification: Uncertain significance for Hereditary breast ovarian cancer syndrome. Last evaluated: 2024-10-17. Review status: criteria provided, single submitter. Criteria: Invitae Variant Classification Sherloc (09022015). Collection method: clinical testing. Allele origin: germline.
Comment: This sequence change replaces glutamine, which is neutral and polar, with arginine, which is basic and polar, at codon 1551 of the BRCA2 protein (p.Gln1551Arg). This variant is present in population databases (no rsID available, gnomAD 0.007%). This variant has not been reported in the literature in individuals affected with BRCA2-related conditions. ClinVar contains an entry for this variant (Variation ID: 481563). Invitae Evidence Modeling of protein sequence and biophysical properties (such as structural, functional, and spatial information, amino acid conservation, physicochemical variation, residue mobility, and thermodynamic stability) indicates that this missense variant is not expected to disrupt BRCA2 protein function with a negative predictive value of 95%. In summary, the available evidence is currently insufficient to determine the role of this variant in disease. Therefore, it has been classified as a Variant of Uncertain Significance.

All of Us Research Program, National Institutes of Health
Classification: Uncertain significance for Breast-ovarian cancer, familial, susceptibility to, 2. Last evaluated: 2023-11-20. Review status: criteria provided, single submitter. Criteria: ACMG Guidelines, 2015. Collection method: clinical testing. Allele origin: germline. Inheritance: Autosomal dominant inheritance. Observed: 1 variant allele, 1 heterozygote.
Comment: This missense variant replaces glutamine with arginine at codon 1551 in the BRCA2 protein. Computational prediction suggests that this variant may not impact protein structure and function (internally defined REVEL score threshold <= 0.5, PMID: 27666373). To our knowledge, functional studies have not been reported for this variant. This variant has not been reported in individuals affected with BRCA2-related disorders in the literature. This variant has been identified in 1/31400 chromosomes in the general population by the Genome Aggregation Database (gnomAD). The available evidence is insufficient to determine the role of this variant in disease conclusively. Therefore, this variant is classified as a Variant of Uncertain Significance.

This study involves interpretation of variants in research participants for the purpose of population health screening. Participant phenotype was not available at the time of variant classification. Additional details can be found in publication PMID: 35346344, PMCID: PMC8962531

Myriad Genetics, Inc.
Classification: Likely benign for Breast-ovarian cancer, familial, susceptibility to, 2. Last evaluated: 2023-11-13. Review status: criteria provided, single submitter. Criteria: Myriad Autosomal Dominant, Autosomal Recessive and X-Linked Classification Criteria (2023). Collection method: clinical testing. Allele origin: unknown.
Comment: This variant is considered likely benign. This variant is strongly associated with less severe personal and family histories of cancer, typical for individuals without pathogenic variants in this gene [PMID: 25085752].

Color Diagnostics, LLC DBA Color Health
Classification: Uncertain significance for Hereditary cancer-predisposing syndrome. Last evaluated: 2023-08-28. Review status: criteria provided, single submitter. Criteria: ACMG Guidelines, 2015. Collection method: clinical testing. Allele origin: germline.
Comment: This missense variant replaces glutamine with arginine at codon 1551 in the BRCA2 protein. Computational prediction suggests that this variant may not impact protein structure and function (internally defined REVEL score threshold <= 0.5, PMID: 27666373). To our knowledge, functional studies have not been reported for this variant. This variant has not been reported in individuals affected with BRCA2-related disorders in the literature. This variant has been identified in 1/31400 chromosomes in the general population by the Genome Aggregation Database (gnomAD). The available evidence is insufficient to determine the role of this variant in disease conclusively. Therefore, this variant is classified as a Variant of Uncertain Significance.

University of Washington Department of Laboratory Medicine, University of Washington
Classification: Likely benign for Hereditary cancer-predisposing syndrome. Last evaluated: 2023-03-23. Review status: criteria provided, single submitter. Criteria: Dines et al. (Genet Med. 2020). Collection method: curation. Allele origin: germline.
Comment: Missense variant in a coldspot region where missense variants are very unlikely to be pathogenic (PMID:31911673).

BRCA2 exon 11 coldspot. Reclassification based on statistical prior probability.

Literature cited by the submitters: PubMed 25085752 (cited by Myriad Genetics, Inc.).